The following is an entry in ClinVar:

NM_152468.5(TMC8):c.1022dup (p.Gly342fs)

Gene: TMC8 (transmembrane channel like 8; plus strand). Cytogenetic location: 17q25.3.
Variant type: Duplication.
Coding change: c.1022dup on transcript NM_152468.5 (MANE Select); coding-DNA position 1022, one base duplicated (C; older notation c.1022dupC).
Protein change: p.Gly342fs; shifts the reading frame from glycine 342.
Molecular consequence: frameshift variant.
Genome position (GRCh38, 1-based): chr17:78,134,904, C duplicated; the last of 5 consecutive C bases (chr17:78,134,900-78,134,904); duplicating any one gives the same sequence. VCF-style (leftmost placement, unchanged base first): chr17-78134899-G-GC. GRCh37 (hg19) VCF-style: chr17-76130980-G-GC.
Other names: short protein forms G342fs.
Identifiers: ClinVar variation 4711030 (VCV004711030.1).

ClinVar aggregate classification (germline): Pathogenic (1 of 4 stars; one submission).

Conditions:
Epidermodysplasia verruciformis. Identifiers: Orphanet 302, MedGen C0014522, MONDO:0009176.

Submission:

Labcorp Genetics (formerly Invitae), Labcorp
Classification: Pathogenic for Epidermodysplasia verruciformis. Last evaluated: 2025-09-02. Review status: criteria provided, single submitter. Criteria: Invitae Variant Classification Sherloc (09022015). Collection method: clinical testing. Allele origin: germline.
Comment: This sequence change creates a premature translational stop signal (p.Gly342Trpfs*66) in the TMC8 gene. It is expected to result in an absent or disrupted protein product. Loss-of-function variants in TMC8 are known to be pathogenic (PMID: 12426567, 22158547). This variant is not present in population databases (gnomAD no frequency). This variant has not been reported in the literature in individuals affected with TMC8-related conditions. For these reasons, this variant has been classified as Pathogenic.

Literature cited by the submitters: PubMed 12426567; PubMed 22158547.